The following is an entry in ClinVar:

NM_001754.5(RUNX1):c.477T>G (p.Asn159Lys)

Genes: RUNX1 (RUNX family transcription factor 1; minus strand), RUNX1-AS1 (RUNX1 antisense RNA 1; plus strand). Cytogenetic location: 21q22.12.
Variant type: single nucleotide variant.
Coding change: c.477T>G on transcript NM_001754.5 (MANE Select); coding-DNA position 477, T replaced by G.
Protein change: p.Asn159Lys; replaces asparagine 159 with lysine.
Molecular consequence: missense variant.
Genome position (GRCh38, 1-based): chr21:34,880,588, A>C on the plus strand (T>G on the coding strand, the complement: RUNX1 is on the minus strand). VCF-style: chr21-34880588-A-C. GRCh37 (hg19) VCF-style: chr21-36252885-A-C.
Other names: NM_001754.5:c.477T>G; c.396T>G, p.Asn132Lys (NM_001001890.3, NM_001122607.2); short protein forms N132K, N159K.
Identifiers: ClinVar variation 3775088 (VCV003775088.1).

ClinVar aggregate classification (germline): Uncertain significance (3 of 4 stars; one submission).

Conditions:
Hereditary thrombocytopenia and hematologic cancer predisposition syndrome. Identifiers: Orphanet 71290, MedGen CN281654, MONDO:0011071.

Submission:

ClinGen Myeloid Malignancy Variant Curation Expert Panel
Classification: Uncertain significance for Hereditary thrombocytopenia and hematologic cancer predisposition syndrome. Last evaluated: 2025-01-15. Review status: reviewed by expert panel. Criteria: ClinGen MyeloMalig ACMG Specifications v2. Collection method: curation. Allele origin: germline. Inheritance: Autosomal dominant inheritance.
Comment: NM_001754.5(RUNX1):c.477T>G (p.Asn159Lys) is a missense variant which is located within the Runt Homology Domain (AA 89-204), but does not occur in an established hotspot residue (PM1_supporting). This variant is completely absent from all population databases with at least 20x coverage for RUNX1 (PM2_supporting). It has been reported in one proband meeting at least one of the RUNX1-phenotypic criteria (PS4_supporting; PMID: 38019014). Additionally, this variant was found to co-segregate with disease in multiple affected family members, with four meioses observed in one family (PP1; PMID: 38019014). In summary, the clinical significance of this variant is uncertain. ACMG/AMP criteria applied, as specified by the Myeloid Malignancy Variant Curation Expert Panel for RUNX1: PM1_supporting, PM2_supporting, PS4_supporting, PP1.